The following is an entry in ClinVar:

NM_001005242.3(PKP2):c.1478G>C (p.Gly493Ala)

Gene: PKP2 (plakophilin 2; minus strand). Cytogenetic location: 12p11.21.
Variant type: single nucleotide variant.
Coding change: c.1478G>C on transcript NM_001005242.3 (MANE Select); coding-DNA position 1478, G replaced by C.
Protein change: p.Gly493Ala; replaces glycine 493 with alanine.
Molecular consequence: missense variant.
Genome position (GRCh38, 1-based): chr12:32,841,106, C>G on the plus strand (G>C on the coding strand, the complement: PKP2 is on the minus strand). VCF-style: chr12-32841106-C-G. GRCh37 (hg19) VCF-style: chr12-32994040-C-G.
Other names: c.1610G>C, p.Gly537Ala (NM_004572.4); short protein forms G537A, G493A.
Identifiers: ClinVar variation 921975 (VCV000921975.4), dbSNP rs1956587234, ClinGen allele CA384367666.

ClinVar aggregate classification (germline): Uncertain significance (1 of 4 stars; one submission).

Conditions:
Cardiomyopathy (CMYO). Also called: Cardiomyopathies. Identifiers: Orphanet 167848, MedGen C0878544, MONDO:0004994, HP:0001638. Inheritance: Various modes of inheritance.

gnomAD v4.1: 1 of 1,613,656 alleles (0.000062%); highest among the groups gnomAD compares: East Asian, 0.0022%; no homozygotes.

Submission:

Color Diagnostics, LLC DBA Color Health
Classification: Uncertain significance for Cardiomyopathy. Last evaluated: 2024-03-06. Review status: criteria provided, single submitter. Criteria: ACMG Guidelines, 2015. Collection method: clinical testing. Allele origin: germline.
Comment: This missense variant replaces glycine with alanine at codon 537 of the PKP2 protein. Computational prediction suggests that this variant may not impact protein structure and function (internally defined REVEL score threshold <= 0.5, PMID: 27666373). Splice site prediction tools suggest that this variant may not impact RNA splicing. To our knowledge, functional studies have not been performed for this variant. This variant has not been reported in individuals affected with cardiovascular disorders in the literature. This variant has not been identified in the general population by the Genome Aggregation Database (gnomAD). The available evidence is insufficient to determine the role of this variant in disease conclusively. Therefore, this variant is classified as a Variant of Uncertain Significance.